The following is an entry in ClinVar:

ClinVar aggregate classification (germline): Uncertain significance (1 of 4 stars; one submission).

Conditions:
Inborn genetic diseases. Identifiers: MedGen C0950123, MeSH D030342.

gnomAD v4.1: 1 of 1,609,928 alleles (0.000062%); highest among the groups gnomAD compares: South Asian, 0.0011%; no homozygotes.

Submission:

Ambry Genetics
Classification: Uncertain significance for Inborn genetic diseases. Last evaluated: 2025-12-09. Review status: criteria provided, single submitter. Criteria: Ambry Variant Classification Scheme 2023. Collection method: clinical testing. Allele origin: germline.
Comment: The c.1568G>A (p.G523E) alteration is located in exon 9 (coding exon 6) of the WHSC1 gene. This alteration results from a G to A substitution at nucleotide position 1568, causing the glycine (G) at amino acid position 523 to be replaced by a glutamic acid (E). Based on data from gnomAD, the A allele has an overall frequency of <0.001% (0/248916) total alleles studied. The highest observed frequency was <0.001% (/) of alleles. Based on insufficient or conflicting evidence, the clinical significance of this alteration remains unclear.

NM_001042424.3(NSD2):c.1568G>A (p.Gly523Glu)

Gene: NSD2 (nuclear receptor binding SET domain protein 2; plus strand). Cytogenetic location: 4p16.3.
Variant type: single nucleotide variant.
Coding change: c.1568G>A on transcript NM_001042424.3 (MANE Select); coding-DNA position 1568, G replaced by A.
Protein change: p.Gly523Glu; replaces glycine 523 with glutamic acid.
Molecular consequence: missense variant.
Genome position (GRCh38, 1-based): chr4:1,935,156, G>A. VCF-style: chr4-1935156-G-A. GRCh37 (hg19) VCF-style: chr4-1936883-G-A.
Other names: c.599G>A, p.Gly200Glu (NM_001440899.1, NM_001440900.1); c.1568G>A, p.Gly523Glu (NM_007331.2, NM_133330.3, NM_133331.3 and 8 more transcripts); c.1667G>A, p.Gly556Glu (NM_001440893.1); short protein forms G523E, G556E, G200E.
Identifiers: ClinVar variation 4626515 (VCV004626515.1).